The following is an entry in ClinVar:

ClinVar aggregate classification (germline): Uncertain significance (1 of 4 stars; one submission).

gnomAD v4.1: 3 of 1,605,294 alleles (0.00019%); highest among the groups gnomAD compares: South Asian, 0.0011%; no homozygotes.

Submission:

Labcorp Genetics (formerly Invitae), Labcorp
Classification: Uncertain significance. Last evaluated: 2025-07-13. Review status: criteria provided, single submitter. Criteria: Invitae Variant Classification Sherloc (09022015). Collection method: clinical testing. Allele origin: germline.
Comment: This sequence change replaces cysteine, which is neutral and slightly polar, with tyrosine, which is neutral and polar, at codon 61 of the ANLN protein (p.Cys61Tyr). This variant is present in population databases (rs770188995, gnomAD 0.003%). This variant has not been reported in the literature in individuals affected with ANLN-related conditions. ClinVar contains an entry for this variant (Variation ID: 3695057). An algorithm developed to predict the effect of missense changes on protein structure and function (PolyPhen-2) suggests that this variant is likely to be tolerated. In summary, the available evidence is currently insufficient to determine the role of this variant in disease. Therefore, it has been classified as a Variant of Uncertain Significance.

NM_018685.5(ANLN):c.182G>A (p.Cys61Tyr)

Gene: ANLN (anillin, actin binding protein; plus strand). Cytogenetic location: 7p14.2.
Variant type: single nucleotide variant.
Coding change: c.182G>A on transcript NM_018685.5 (MANE Select); coding-DNA position 182, G replaced by A.
Protein change: p.Cys61Tyr; replaces cysteine 61 with tyrosine.
Molecular consequence: missense variant.
Genome position (GRCh38, 1-based): chr7:36,399,088, G>A. VCF-style: chr7-36399088-G-A. GRCh37 (hg19) VCF-style: chr7-36438697-G-A.
Other names: c.182G>A, p.Cys61Tyr (NM_001284301.3, NM_001284302.3); short protein forms C61Y.
Identifiers: ClinVar variation 3695057 (VCV003695057.2).